The following is an entry in ClinVar:

ClinVar aggregate classification (germline): Uncertain significance (1 of 4 stars; one submission).

Conditions:
Juvenile onset Parkinson disease 19A. Also called: PARK19; DNAJC6 Parkinson Disease. Identifiers: Orphanet 391411, MedGen C3809811, MONDO:0014231, OMIM 615528.

gnomAD v4.1: 11 of 1,613,850 alleles (0.00068%); highest among the groups gnomAD compares: South Asian, 0.0011%; no homozygotes.

Submission:

Labcorp Genetics (formerly Invitae), Labcorp
Classification: Uncertain significance for Juvenile onset Parkinson disease 19A. Last evaluated: 2025-04-21. Review status: criteria provided, single submitter. Criteria: Invitae Variant Classification Sherloc (09022015). Collection method: clinical testing. Allele origin: germline.
Comment: This sequence change replaces arginine, which is basic and polar, with glutamine, which is neutral and polar, at codon 152 of the DNAJC6 protein (p.Arg152Gln). This variant is present in population databases (rs759567966, gnomAD 0.004%). This variant has not been reported in the literature in individuals affected with DNAJC6-related conditions. An algorithm developed to predict the effect of missense changes on protein structure and function (PolyPhen-2) suggests that this variant is likely to be disruptive. In summary, the available evidence is currently insufficient to determine the role of this variant in disease. Therefore, it has been classified as a Variant of Uncertain Significance.

NM_001256864.2(DNAJC6):c.455G>A (p.Arg152Gln)

Gene: DNAJC6 (DnaJ heat shock protein family (Hsp40) member C6; plus strand). Cytogenetic location: 1p31.3.
Variant type: single nucleotide variant.
Coding change: c.455G>A on transcript NM_001256864.2 (MANE Select); coding-DNA position 455, G replaced by A.
Protein change: p.Arg152Gln; replaces arginine 152 with glutamine.
Molecular consequence: missense variant.
Genome position (GRCh38, 1-based): chr1:65,366,108, G>A. VCF-style: chr1-65366108-G-A. GRCh37 (hg19) VCF-style: chr1-65831791-G-A.
Other names: c.245G>A, p.Arg82Gln (NM_001256865.2); c.284G>A, p.Arg95Gln (NM_014787.4); short protein forms R82Q, R95Q, R152Q.
Identifiers: ClinVar variation 4759558 (VCV004759558.1).